The following is an entry in ClinVar:

NM_001128840.3(CACNA1D):c.82A>G (p.Arg28Gly)

Gene: CACNA1D (calcium voltage-gated channel subunit alpha1 D; plus strand). Cytogenetic location: 3p21.1.
Variant type: single nucleotide variant.
Coding change: c.82A>G on transcript NM_001128840.3 (MANE Select); coding-DNA position 82, A replaced by G.
Protein change: p.Arg28Gly; replaces arginine 28 with glycine.
Molecular consequence: missense variant.
Genome position (GRCh38, 1-based): chr3:53,497,166, A>G. VCF-style: chr3-53497166-A-G. GRCh37 (hg19) VCF-style: chr3-53531193-A-G.
Other names: c.82A>G, p.Arg28Gly (NM_000720.4, NM_001128839.3); short protein forms R28G.
Identifiers: ClinVar variation 2321479 (VCV002321479.5), dbSNP rs1475120903, ClinGen allele CA353381703.

ClinVar aggregate classification (germline): Uncertain significance. Review status: criteria provided, multiple submitters, no conflicts (2 of 4 stars). 2 submissions from 2 submitters: Uncertain significance (2). Last evaluated 2025-01-23.

Conditions:
Inborn genetic diseases. Identifiers: MedGen C0950123, MeSH D030342.

Allele frequency attached by ClinVar (database versions not stated): TOPMed below 0.00001; gnomAD exomes 0.00001.
gnomAD v4.1: 11 of 1,614,062 alleles (0.00068%); highest among the groups gnomAD compares: African/African-American, 0.0013%; no homozygotes.

Submissions (2):

Labcorp Genetics (formerly Invitae), Labcorp
Classification: Uncertain significance. Last evaluated: 2025-01-23. Review status: criteria provided, single submitter. Criteria: Invitae Variant Classification Sherloc (09022015). Collection method: clinical testing. Allele origin: germline.
Comment: This sequence change replaces arginine, which is basic and polar, with glycine, which is neutral and non-polar, at codon 28 of the CACNA1D protein (p.Arg28Gly). This variant is present in population databases (no rsID available, gnomAD 0.007%). This variant has not been reported in the literature in individuals affected with CACNA1D-related conditions. ClinVar contains an entry for this variant (Variation ID: 2321479). An algorithm developed to predict the effect of missense changes on protein structure and function (PolyPhen-2) suggests that this variant is likely to be tolerated. In summary, the available evidence is currently insufficient to determine the role of this variant in disease. Therefore, it has been classified as a Variant of Uncertain Significance.

Ambry Genetics
Classification: Uncertain significance for Inborn genetic diseases. Last evaluated: 2022-10-27. Review status: criteria provided, single submitter. Criteria: Ambry Variant Classification Scheme 2023. Collection method: clinical testing. Allele origin: germline.